The following is an entry in ClinVar:

ClinVar aggregate classification (germline): Uncertain significance (1 of 4 stars; one submission).

Conditions:
Hereditary cancer-predisposing syndrome. Also called: Neoplastic Syndromes, Hereditary; Tumor predisposition; Hereditary Cancer Syndrome; Hereditary neoplastic syndrome. Identifiers: Orphanet 140162, MedGen C0027672, MeSH D009386, MONDO:0015356.
Cardiovascular phenotype. Identifiers: MedGen CN230736.

gnomAD v4.1: 1 of 1,613,438 alleles (0.000062%); highest among the groups gnomAD compares: Non-Finnish European, 0.000085%; no homozygotes.

Submission:

Ambry Genetics
Classification: Uncertain significance for Cardiovascular phenotype; Hereditary cancer-predisposing syndrome. Last evaluated: 2025-01-13. Review status: criteria provided, single submitter. Criteria: Ambry Variant Classification Scheme 2023. Collection method: clinical testing. Allele origin: germline.
Comment: The p.E721Q variant (also known as c.2161G>C), located in coding exon 18 of the LZTR1 gene, results from a G to C substitution at nucleotide position 2161. The glutamic acid at codon 721 is replaced by glutamine, an amino acid with highly similar properties. This amino acid position is well conserved in available vertebrate species. In addition, this alteration is predicted to be tolerated by in silico analysis. Based on the available evidence, the clinical significance of this variant remains unclear.

NM_006767.4(LZTR1):c.2161G>C (p.Glu721Gln)

Gene: LZTR1 (leucine zipper like post translational regulator 1; plus strand). Cytogenetic location: 22q11.21.
Variant type: single nucleotide variant.
Coding change: c.2161G>C on transcript NM_006767.4 (MANE Select); coding-DNA position 2161, G replaced by C.
Protein change: p.Glu721Gln; replaces glutamic acid 721 with glutamine.
Molecular consequence: missense variant.
Genome position (GRCh38, 1-based): chr22:20,996,054, G>C. VCF-style: chr22-20996054-G-C. GRCh37 (hg19) VCF-style: chr22-21350343-G-C.
Other names: short protein forms E721Q.
Identifiers: ClinVar variation 1786924 (VCV001786924.3), dbSNP rs570948606, ClinGen allele CA410779707.